The following is an entry in ClinVar:

ClinVar aggregate classification (germline): Uncertain significance (1 of 4 stars; one submission).

Conditions:
Hereditary cancer-predisposing syndrome. Also called: Neoplastic Syndromes, Hereditary; Tumor predisposition; Hereditary neoplastic syndrome; Hereditary Cancer Syndrome. Identifiers: Orphanet 140162, MedGen C0027672, MeSH D009386, MONDO:0015356.

gnomAD v4.1: 18 of 1,613,960 alleles (0.0011%); highest among the groups gnomAD compares: Non-Finnish European, 0.0015%; no homozygotes.

Submission:

Ambry Genetics
Classification: Uncertain significance for Hereditary cancer-predisposing syndrome. Last evaluated: 2026-07-02. Review status: criteria provided, single submitter. Criteria: Ambry Variant Classification Scheme 2023. Collection method: clinical testing. Allele origin: germline.
Comment: The p.K92E variant (also known as c.274A>G), located in coding exon 4 of the MAX gene, results from an A to G substitution at nucleotide position 274. The lysine at codon 92 is replaced by glutamic acid, an amino acid with similar properties. This amino acid position is conserved. In addition, this alteration is predicted to be tolerated by in silico analysis. Based on the available evidence, the clinical significance of this variant remains unclear.

NM_002382.5(MAX):c.172-6161A>G

Gene: MAX (MYC associated transcriptional regulator X; minus strand). Cytogenetic location: 14q23.3.
Variant type: single nucleotide variant.
Coding change: c.172-6161A>G on transcript NM_002382.5 (MANE Select); 6161 bases into the intron before coding-DNA position 172, A replaced by G.
Molecular consequence: intron variant. On other transcripts: missense variant (3), 3 prime UTR variant (1), non-coding transcript variant (4).
Genome position (GRCh38, 1-based): chr14:65,084,197, T>C on the plus strand (A>G on the coding strand, the complement: MAX is on the minus strand). VCF-style: chr14-65084197-T-C. GRCh37 (hg19) VCF-style: chr14-65550915-T-C.
Other names: c.-103-6161A>G (NM_001320415.2, NM_001407105.1, NM_001407106.1 and 1 more transcripts); c.172-6161A>G (NM_145113.3, NM_001407096.1, NM_001407097.1 and 3 more transcripts); c.-196-6161A>G (NM_001407111.1, NM_001407112.1); c.247A>G, p.Lys83Glu (NM_001271068.2, NM_001407113.1); c.*48A>G (NM_001407114.1); c.274A>G, p.Lys92Glu (NM_145114.3); c.144+9511A>G (NM_001271069.2); c.171+9511A>G (NM_197957.4); and 2 more; short protein forms K83E, K92E.
Identifiers: ClinVar variation 5023916 (VCV005023916.1).
Genomic context (GRCh38, chr14:65,084,197, plus strand): 5'-CCAGGAGTAAGACATTTGTGTAAGGGGTCAAAACAATCATTTTTTAAATCTTGCATTCTT[T>C]TTTCTTGTGCACTTGGTAGCTTGAAATGAAGGTGTGGCATTTCTGCATCAAACTTTGACG-3'